The following is an entry in ClinVar:

NM_016363.5(GP6):c.*162G>A

Gene: GP6 (glycoprotein VI platelet; minus strand). Cytogenetic location: 19q13.42.
Variant type: single nucleotide variant.
Coding change: c.*162G>A on transcript NM_016363.5 (MANE Select); 162 bases downstream of the stop codon, G replaced by A.
Molecular consequence: 3 prime UTR variant. On other transcripts: missense variant (1).
Genome position (GRCh38, 1-based): chr19:55,014,759, C>T on the plus strand (G>A on the coding strand, the complement: GP6 is on the minus strand). VCF-style: chr19-55014759-C-T. GRCh37 (hg19) VCF-style: chr19-55526127-C-T.
Other names: c.1186G>A, p.Gly396Ser (NM_001083899.2); c.*162G>A (NM_001256017.2); c.1186G>A (NM_001083899.1); short protein forms G396S.
Identifiers: ClinVar variation 1919151 (VCV001919151.6), dbSNP rs751311313, ClinGen allele CA407476146.

ClinVar aggregate classification (germline): Conflicting classifications of pathogenicity. Review status: criteria provided, conflicting classifications (1 of 4 stars). 2 submissions from 2 submitters: Uncertain significance (1); Likely benign (1). Last evaluated 2024-11-14.

Conditions:
Inborn genetic diseases. Identifiers: MedGen C0950123, MeSH D030342.

Allele frequency attached by ClinVar (database versions not stated): gnomAD 0.00001; TOPMed 0.00001; gnomAD exomes 0.00002.
gnomAD v4.1: 28 of 1,609,848 alleles (0.0017%); highest among the groups gnomAD compares: East Asian, 0.049%; no homozygotes.

Submissions (2):

Ambry Genetics
Classification: Likely benign for Inborn genetic diseases. Last evaluated: 2024-11-14. Review status: criteria provided, single submitter. Criteria: Ambry Variant Classification Scheme 2023. Collection method: clinical testing. Allele origin: germline.

Labcorp Genetics (formerly Invitae), Labcorp
Classification: Uncertain significance. Last evaluated: 2022-08-22. Review status: criteria provided, single submitter. Criteria: Invitae Variant Classification Sherloc (09022015). Collection method: clinical testing. Allele origin: germline.
Comment: This sequence change replaces glycine, which is neutral and non-polar, with serine, which is neutral and polar, at codon 396 of the GP6 protein (p.Gly396Ser). This variant is present in population databases (no rsID available, gnomAD 0.002%). This variant has not been reported in the literature in individuals affected with GP6-related conditions. Algorithms developed to predict the effect of missense changes on protein structure and function output the following: SIFT: "Tolerated"; PolyPhen-2: "Benign"; Align-GVGD: "Class C0". The serine amino acid residue is found in multiple mammalian species, which suggests that this missense change does not adversely affect protein function. In summary, the available evidence is currently insufficient to determine the role of this variant in disease. Therefore, it has been classified as a Variant of Uncertain Significance.